The following is an entry in ClinVar:

NM_004656.4(BAP1):c.469A>G (p.Asn157Asp)

Gene: BAP1 (BRCA1 associated deubiquitinase 1; minus strand). Cytogenetic location: 3p21.1.
Variant type: single nucleotide variant.
Coding change: c.469A>G on transcript NM_004656.4 (MANE Select); coding-DNA position 469, A replaced by G.
Protein change: p.Asn157Asp; replaces asparagine 157 with aspartic acid.
Molecular consequence: missense variant.
Genome position (GRCh38, 1-based): chr3:52,407,285, T>C on the plus strand (A>G on the coding strand, the complement: BAP1 is on the minus strand). VCF-style: chr3-52407285-T-C. GRCh37 (hg19) VCF-style: chr3-52441301-T-C.
Other names: c.469A>G, p.Asn157Asp (NM_001410772.1); short protein forms N157D.
Identifiers: ClinVar variation 3986981 (VCV003986981.1).

ClinVar aggregate classification (germline): Uncertain significance (1 of 4 stars; one submission).

Conditions:
Hereditary cancer-predisposing syndrome. Also called: Tumor predisposition; Hereditary neoplastic syndrome; Neoplastic Syndromes, Hereditary; Hereditary Cancer Syndrome. Identifiers: Orphanet 140162, MedGen C0027672, MeSH D009386, MONDO:0015356.

Submission:

Ambry Genetics
Classification: Uncertain significance for Hereditary cancer-predisposing syndrome. Last evaluated: 2025-05-01. Review status: criteria provided, single submitter. Criteria: Ambry Variant Classification Scheme 2023. Collection method: clinical testing. Allele origin: germline.
Comment: The p.N157D variant (also known as c.469A>G), located in coding exon 7 of the BAP1 gene, results from an A to G substitution at nucleotide position 469. The asparagine at codon 157 is replaced by aspartic acid, an amino acid with highly similar properties. This amino acid position is conserved. In addition, this alteration is predicted to be tolerated by in silico analysis. Based on the available evidence, the clinical significance of this variant remains unclear.